The following is an entry in ClinVar:

ClinVar aggregate classification (germline): Uncertain significance (1 of 4 stars; one submission).

Conditions:
Purine-nucleoside phosphorylase deficiency. Also called: NUCLEOSIDE PHOSPHORYLASE DEFICIENCY; Immunodeficiency due to purine nucleoside phosphorylase deficiency. Identifiers: Orphanet 760, MedGen C0268125, MONDO:0013171, OMIM 613179.

Submission:

Labcorp Genetics (formerly Invitae), Labcorp
Classification: Uncertain significance for Purine-nucleoside phosphorylase deficiency. Last evaluated: 2023-11-01. Review status: criteria provided, single submitter. Criteria: Invitae Variant Classification Sherloc (09022015). Collection method: clinical testing. Allele origin: germline.
Comment: This sequence change replaces leucine, which is neutral and non-polar, with valine, which is neutral and non-polar, at codon 175 of the PNP protein (p.Leu175Val). This variant is not present in population databases (gnomAD no frequency). This variant has not been reported in the literature in individuals affected with PNP-related conditions. Advanced modeling of protein sequence and biophysical properties (such as structural, functional, and spatial information, amino acid conservation, physicochemical variation, residue mobility, and thermodynamic stability) performed at Invitae indicates that this missense variant is not expected to disrupt PNP protein function with a negative predictive value of 80%. In summary, the available evidence is currently insufficient to determine the role of this variant in disease. Therefore, it has been classified as a Variant of Uncertain Significance.

NM_000270.4(PNP):c.523C>G (p.Leu175Val)

Gene: PNP (purine nucleoside phosphorylase; plus strand). Cytogenetic location: 14q11.2.
Variant type: single nucleotide variant.
Coding change: c.523C>G on transcript NM_000270.4 (MANE Select); coding-DNA position 523, C replaced by G.
Protein change: p.Leu175Val; replaces leucine 175 with valine.
Molecular consequence: missense variant.
Genome position (GRCh38, 1-based): chr14:20,475,123, C>G. VCF-style: chr14-20475123-C-G. GRCh37 (hg19) VCF-style: chr14-20943282-C-G.
Other names: short protein forms L175V.
Identifiers: ClinVar variation 2913484 (VCV002913484.3), dbSNP rs1594427695, ClinGen allele CA389145585.
Genomic context (GRCh38, chr14:20,475,123, plus strand): 5'-TTTGGAGATCGTTTCCCTGCCATGTCTGATGCCTACGACCGGACTATGAGGCAGAGGGCT[C>G]TCAGTACCTGGAAACAAATGGGGGAGCAACGTGAGCTACAGGAAGGCACCTATGTGATGG-3'
Protein context (NP_000261.2, residues 165-185): AYDRTMRQRA[Leu175Val]STWKQMGEQR